The following is an entry in ClinVar:

ClinVar aggregate classification (germline): Likely pathogenic (0 of 4 stars; one submission).

Conditions:
Dilated cardiomyopathy 1G (CMD1G). Identifiers: Orphanet 154, MedGen C1858763, MONDO:0011400, OMIM 604145.

Submission:

deCODE genetics, Amgen
Classification: Likely pathogenic for Dilated cardiomyopathy 1G. Last evaluated: 2023-07-21. Review status: no assertion criteria provided. Collection method: research. Allele origin: germline. Affected: yes. Observed: 10 variant alleles.
Comment: The variant NM_001267550.2:c.102953T>G (chr2:178533662) in TTN was detected in 6 heterozygotes out of 58K WGS Icelanders (MAF= 0,005%). This variant has not been reported in ClinVar previously. Based on ACMG criteria (PVS1, PM2) this variant classifies as likely pathogenic.

NM_001267550.2(TTN):c.102953T>G (p.Leu34318Ter)

Genes: TTN-AS1 (TTN antisense RNA 1; plus strand), TTN (titin; minus strand). Cytogenetic location: 2q31.2.
Variant type: single nucleotide variant.
Coding change: c.102953T>G on transcript NM_001267550.2 (MANE Select); coding-DNA position 102953, T replaced by G.
Protein change: p.Leu34318Ter; replaces leucine 34318 with a stop codon.
Molecular consequence: nonsense.
Genome position (GRCh38, 1-based): chr2:178,533,662, A>C on the plus strand (T>G on the coding strand, the complement: TTN is on the minus strand). VCF-style: chr2-178533662-A-C. GRCh37 (hg19) VCF-style: chr2-179398389-A-C.
Other names: c.98030T>G, p.Leu32677Ter (NM_001256850.1); c.75758T>G, p.Leu25253Ter (NM_003319.4); c.95249T>G, p.Leu31750Ter (NM_133378.4); c.76133T>G, p.Leu25378Ter (NM_133432.3); c.76334T>G, p.Leu25445Ter (NM_133437.4); short protein forms L25253*, L25378*, L25445*, L31750*, L32677*, L34318*.
Identifiers: ClinVar variation 2574048 (VCV002574048.1), dbSNP rs2468502856, ClinGen allele CA349415703.
Genomic context (GRCh38, chr2:178,533,662, plus strand): 5'-TTGTTCCTTGCCACAACAGTATATTCAGCGTCATCATCTGTAGTGACACTGTTGATTGTT[A>C]ATTGGTAAAGACCCTTGTCTGACTCAAATGTGTACTTCTTGTCATTGTCACCTGGTTTGA-3'